The following is an entry in ClinVar:

ClinVar aggregate classification (germline): Uncertain significance (1 of 4 stars; one submission).

Allele frequency attached by ClinVar (database versions not stated): ExAC 0.00002.
gnomAD v4.1: 14 of 1,614,016 alleles (0.00087%); highest among the groups gnomAD compares: East Asian, 0.016%; no homozygotes.

Submission:

Labcorp Genetics (formerly Invitae), Labcorp
Classification: Uncertain significance. Last evaluated: 2023-12-30. Review status: criteria provided, single submitter. Criteria: Invitae Variant Classification Sherloc (09022015). Collection method: clinical testing. Allele origin: germline.
Comment: This sequence change replaces proline, which is neutral and non-polar, with leucine, which is neutral and non-polar, at codon 1170 of the BRD4 protein (p.Pro1170Leu). This variant is present in population databases (rs760622695, gnomAD 0.04%). This variant has not been reported in the literature in individuals affected with BRD4-related conditions. ClinVar contains an entry for this variant (Variation ID: 1946536). An algorithm developed to predict the effect of missense changes on protein structure and function (PolyPhen-2) suggests that this variant is likely to be tolerated. In summary, the available evidence is currently insufficient to determine the role of this variant in disease. Therefore, it has been classified as a Variant of Uncertain Significance.

NM_001379291.1(BRD4):c.3509C>T (p.Pro1170Leu)

Gene: BRD4 (bromodomain containing 4; minus strand). Cytogenetic location: 19p13.12.
Variant type: single nucleotide variant.
Coding change: c.3509C>T on transcript NM_001379291.1 (MANE Select); coding-DNA position 3509, C replaced by T.
Protein change: p.Pro1170Leu; replaces proline 1170 with leucine.
Molecular consequence: missense variant.
Genome position (GRCh38, 1-based): chr19:15,239,459, G>A on the plus strand (C>T on the coding strand, the complement: BRD4 is on the minus strand). VCF-style: chr19-15239459-G-A. GRCh37 (hg19) VCF-style: chr19-15350270-G-A.
Other names: c.3509C>T, p.Pro1170Leu (NM_058243.3); short protein forms P1170L.
Identifiers: ClinVar variation 1946536 (VCV001946536.5), dbSNP rs760622695, ClinGen allele CA9264611.
Genomic context (GRCh38, chr19:15,239,459, plus strand): 5'-GGCGCAACTGGAGTCTTCGGCTCCTGTTTCTGTTTGTCCTTGTCAGGGGCCCCTGGTGGC[G>A]GTGCGTTCTGCTCTGGGGGCCGGATCACAGGCCTCCCGACATCCACAGGCTTCATTTCCG-3'
Protein context (NP_001366220.1, residues 1160-1180): PVIRPPEQNA[Pro1170Leu]PPGAPDKDKQ